The following is an entry in ClinVar:

NM_000441.2(SLC26A4):c.1924T>C (p.Ser642Pro)

Gene: SLC26A4 (solute carrier family 26 member 4; plus strand). Cytogenetic location: 7q22.3.
Variant type: single nucleotide variant.
Coding change: c.1924T>C on transcript NM_000441.2 (MANE Select); coding-DNA position 1924, T replaced by C.
Protein change: p.Ser642Pro; replaces serine 642 with proline.
Molecular consequence: missense variant.
Genome position (GRCh38, 1-based): chr7:107,701,947, T>C. VCF-style: chr7-107701947-T-C. GRCh37 (hg19) VCF-style: chr7-107342392-T-C.
Other names: short protein forms S642P.
Identifiers: ClinVar variation 43527 (VCV000043527.40), dbSNP rs397516423, ClinGen allele CA132685.

ClinVar aggregate classification (germline): Uncertain significance. Review status: reviewed by expert panel (3 of 4 stars). 12 submissions from 11 submitters: Uncertain significance (1). 11 of the submissions do not count toward it. Last evaluated 2025-08-20.

Conditions:
SLC26A4-related disorder. Also called: SLC26A4-related condition; SLC26A4-related disorders.
Pendred syndrome (PDS). Also called: Pendred's syndrome; DEAFNESS WITH GOITER; GOITER-DEAFNESS SYNDROME; HYPOTHYROIDISM, CONGENITAL, DUE TO DYSHORMONOGENESIS, 2B; THYROID DYSHORMONOGENESIS 2B; THYROID HORMONOGENESIS, GENETIC DEFECT IN, 2B. Identifiers: Orphanet 705, MedGen C0271829, MONDO:0010134, OMIM 274600.
Autosomal recessive nonsyndromic hearing loss 4 (DFNB4). Also called: FOXI1-Related Pendred Syndrome; KCNJ10-Related Pendred Syndrome; DEAFNESS, AUTOSOMAL RECESSIVE 4, WITH ENLARGED VESTIBULAR AQUEDUCT, DIGENIC; Deafness, autosomal recessive 4; Nonsyndromic enlarged vestibular aqueduct (NSEVA); NEUROSENSORY NONSYNDROMIC RECESSIVE DEAFNESS 4. Identifiers: Orphanet 90636, MedGen C3538946, MONDO:0010933, OMIM 600791.

Allele frequency attached by ClinVar (database versions not stated): gnomAD exomes 0.00016 and 0.00074; gnomAD 0.00029 and 0.00030; TOPMed 0.00044; ExAC 0.00055.
gnomAD v4.1: 273 of 1,613,424 alleles (0.017%); highest among the groups gnomAD compares: Admixed American, 0.43%; no homozygotes.

Submissions (12):

ClinGen Hearing Loss Variant Curation Expert Panel
Classification: Uncertain significance for Pendred syndrome. Last evaluated: 2025-08-20. Review status: reviewed by expert panel. Criteria: Clingen Hl Acmg Specifications Cdh23 Coch Gjb2 Kcnq4 Myo6 Myo7a Slc26a4 Tecta Ush2a V2. Collection method: curation. Allele origin: germline. Inheritance: Autosomal recessive inheritance.
Comment: The c.1924T>C variant in SLC26A4 is a missense variant predicted to cause substitution of serine by proline at amino acid 642. The highest population minor allele frequency in gnomAD v4.1 is 0.004332 (260/60022 alleles) in the Admixed-American population, which is higher than the ClinGen HL VCEP threshold (>0.003]) for BS1, and therefore meets this criterion (BS1 met). The computational predictor REVEL gives a score of 0.724, which is above the threshold of 0.7, evidence that correlates with impact on SLC26A4 function. (PP3 met). This variant has been observed in the homozygous state in at least nine apparently healthy adults (GeneDx internal data, SCV001816539.1, Invitae internal data, SCV001113490.7). This variant has also been observed with two co-occurring pathogenic variants in SLC26A4 phase unknown, in one patient reported to have hearing loss and enlarged vestibular aqueduct (Laboratory for Molecular Medicine, Mass General Brigham Personalized Medicine, SCV000060117.6). However, given its high allele frequency in the population and unknown phase with the co-occurring variant, PM3 was not applied. In summary, this variant meets the criteria to be classified as uncertain significance based on the ACMG/AMP criteria applied, as specified by the ClinGen Hearing Loss VCEP: BS1, PP3 (ClinGen Hearing Loss VCEP specifications version 2; 8/20/2025).

GeneDx
Classification: Uncertain significance. Last evaluated: 2026-10-21. Review status: criteria provided, single submitter. Criteria: GeneDx Variant Classification Process June 2021. Collection method: clinical testing. Allele origin: germline. Not counted in ClinVar's aggregate classification.
Comment: Observed multiple times with a pathogenic variant in SLC26A4 in unrelated patients with enlarged vestibular aqueduct and sensorineural hearing loss referred for genetic testing at GeneDx, but it is not known whether the variants occurred on the same (in cis) or on different (in trans) alleles in some cases; Identified in a patient with hearing loss in published literature and predicted to be likely benign (PMID: 21704276); In silico analysis supports that this missense variant has a deleterious effect on protein structure/function; This variant is associated with the following publications: (PMID: 40030011, 21704276)

Myriad Genetics, Inc.
Classification: Uncertain significance for Pendred syndrome. Last evaluated: 2026-08-24. Review status: criteria provided, single submitter. Criteria: Myriad Autosomal Dominant, Autosomal Recessive and X-Linked Classification Criteria (2023). Collection method: clinical testing. Allele origin: unknown. Not counted in ClinVar's aggregate classification.
Comment: NM_000441.1(SLC26A4):c.1924T>C(S642P) is a missense variant classified as a variant of uncertain significance in the context of Pendred syndrome. S642P has not been observed in cases with relevant disease. Relevant functional assessments of this variant are not available in the literature. S642P has been observed in referenced population frequency databases. In summary, there is insufficient evidence to classify NM_000441.1(SLC26A4):c.1924T>C(S642P) as pathogenic or benign. Please note: this variant was assessed in the context of healthy population screening.

CeGaT Center for Human Genetics Tuebingen
Classification: Uncertain significance. Last evaluated: 2026-04-01. Review status: criteria provided, single submitter. Criteria: CeGaT Center For Human Genetics Tuebingen Variant Classification Criteria Version 2. Collection method: clinical testing. Allele origin: germline. Affected: yes. Observed: 1 variant allele. Not counted in ClinVar's aggregate classification.
Comment: SLC26A4: PM2, PM3:Supporting

Labcorp Genetics (formerly Invitae), Labcorp
Classification: Likely benign. Last evaluated: 2026-01-28. Review status: criteria provided, single submitter. Criteria: Invitae Variant Classification Sherloc (09022015). Collection method: clinical testing. Allele origin: germline. Not counted in ClinVar's aggregate classification.

PreventionGenetics, part of Exact Sciences
Classification: Likely benign for SLC26A4-related condition. Last evaluated: 2026-01-12. Review status: criteria provided, single submitter. Criteria: ACMG Guidelines, 2015. Collection method: clinical testing. Allele origin: germline. Not counted in ClinVar's aggregate classification.
Comment: This variant is classified as likely benign based on ACMG/AMP sequence variant interpretation guidelines (Richards et al. 2015 PMID: 25741868, with internal and published modifications).

Women's Health and Genetics/Laboratory Corporation of America, LabCorp
Classification: Likely benign. Last evaluated: 2025-11-24. Review status: criteria provided, single submitter. Criteria: LabCorp Variant Classification Summary - May 2015. Collection method: clinical testing. Allele origin: germline. Not counted in ClinVar's aggregate classification.
Comment: Variant summary: SLC26A4 c.1924T>C (p.Ser642Pro) results in a non-conservative amino acid change located in the STAS (Sulphate Transporter and AntiSigma factor antagonist) domain (IPR002645) of the encoded protein sequence. Algorithms developed to predict the effect of missense changes on protein structure and function all suggest that this variant is likely to be disruptive. The variant allele was found at a frequency of 0.00074 in 251202 control chromosomes, predominantly at a frequency of 0.0053 within the Latino subpopulation in the gnomAD database. The observed variant frequency within Latino control individuals in the gnomAD database exceeds the estimated maximal expected allele frequency for disease-causing variants in SLC26A4. To our knowledge, no occurrence of c.1924T>C in individuals affected with SLC26A4-related conditions and no experimental evidence demonstrating its impact on protein function have been reported. The following publication has been ascertained in the context of this evaluation (PMID: 21704276). ClinVar contains an entry for this variant (Variation ID: 43527). Based on the evidence outlined above, the variant was classified as likely benign.

Blueprint Genetics
Classification: Uncertain significance. Last evaluated: 2022-05-04. Review status: criteria provided, single submitter. Criteria: ACMG Guidelines, 2015. Collection method: clinical testing. Allele origin: germline. Not counted in ClinVar's aggregate classification.

Laboratory for Molecular Medicine, Mass General Brigham Personalized Medicine
Classification: Uncertain significance. Last evaluated: 2018-06-08. Review status: criteria provided, single submitter. Criteria: LMM Criteria. Collection method: clinical testing. Allele origin: germline. Observed: 4 variant alleles. Not counted in ClinVar's aggregate classification.
Comment: This variant has been ide ntified in 0.5% (175/34396) of Latino chromosomes by the Genome Aggregation Data base (gnomAD; dbSNP rs397516423), which is a f requency high enough to suggest that it may be benign. Computational prediction tools and conservation analyses suggest that this variant may impact the protein , though this information is not predictive enough to determine pathogenicity. I n summary, the clinical significance of this variant is uncertain. ACMG/AMP crit eria applied: PM3, PP3, PP4, BS1.

Illumina Laboratory Services, Illumina
Classification: Uncertain significance for Pendred syndrome. Last evaluated: 2017-04-28. Review status: criteria provided, single submitter. Criteria: ICSL Variant Classification Criteria 13 December 2019. Collection method: clinical testing. Allele origin: germline. Not counted in ClinVar's aggregate classification.
Comment: This variant was observed as part of a predisposition screen in an ostensibly healthy population. A literature search was performed for the gene, cDNA change, and amino acid change (where applicable). Publications were found based on this search. However, the evidence from the literature, in combination with allele frequency data from public databases where available, was not sufficient to rule this variant in or out of causing disease. Therefore, this variant is classified as a variant of unknown significance.

Illumina Laboratory Services, Illumina
Classification: Uncertain significance for Autosomal recessive nonsyndromic hearing loss 4. Last evaluated: 2017-04-28. Review status: criteria provided, single submitter. Criteria: ICSL Variant Classification Criteria 13 December 2019. Collection method: clinical testing. Allele origin: germline. Not counted in ClinVar's aggregate classification.
Comment: the same text as in the submission from Illumina Laboratory Services, Illumina above.

Eurofins Ntd Llc (ga)
Classification: Likely benign. Last evaluated: 2016-09-07. Review status: criteria provided, single submitter. Criteria: EGL Classification Definitions 2015. Collection method: clinical testing. Allele origin: germline. Observed: 1 variant allele, 1 heterozygote. Not counted in ClinVar's aggregate classification.

Literature cited by the submitters: PubMed 21704276 (cited by 3 submitters).